The following is an entry in ClinVar:

ClinVar aggregate classification (germline): Pathogenic (1 of 4 stars; one submission).

Conditions:
GLUT1 deficiency syndrome 1, autosomal recessive. Identifiers: MedGen C3149117.

Submission:

Labcorp Genetics (formerly Invitae), Labcorp
Classification: Pathogenic for GLUT1 deficiency syndrome 1, autosomal recessive. Last evaluated: 2022-08-07. Review status: criteria provided, single submitter. Criteria: Invitae Variant Classification Sherloc (09022015). Collection method: clinical testing. Allele origin: germline.
Comment: This variant has not been reported in the literature in individuals affected with SLC2A1-related conditions. This variant is not present in population databases (gnomAD no frequency). This sequence change creates a premature translational stop signal (p.Ser55Argfs*24) in the SLC2A1 gene. It is expected to result in an absent or disrupted protein product. Loss-of-function variants in SLC2A1 are known to be pathogenic (PMID: 21832227, 26193382). For these reasons, this variant has been classified as Pathogenic.

Literature cited by the submitters: PubMed 21832227; PubMed 26193382.

NM_006516.4(SLC2A1):c.163_164dup (p.Ser55fs)

Gene: SLC2A1 (solute carrier family 2 member 1; minus strand). Cytogenetic location: 1p34.2.
Variant type: Microsatellite.
Coding change: c.163_164dup on transcript NM_006516.4 (MANE Select); coding-DNA positions 163 to 164, 2 bases duplicated (AG; older notation c.163_164dupAG).
Protein change: p.Ser55fs; shifts the reading frame from serine 55.
Molecular consequence: frameshift variant.
Genome position (GRCh38, 1-based): chr1:42,931,157-42,931,158, CT duplicated on the plus strand (AG on the coding strand, the reverse complement: SLC2A1 is on the minus strand); duplicating any 2 consecutive bases within chr1:42,931,157-42,931,161 gives the same sequence; the c. name uses the placement nearest the transcript's 3' end. VCF-style (leftmost placement, unchanged base first): chr1-42931156-G-GCT. GRCh37 (hg19) VCF-style: chr1-43396827-G-GCT.
Other names: short protein forms S55fs.
Identifiers: ClinVar variation 2022504 (VCV002022504.4), dbSNP rs2524999574, ClinGen allele CA2580611169.
Genomic context (GRCh38, chr1:42,931,156, plus strand): 5'-CCCAACAGAAAAGATGGCCACTGAGAGGGACCAGAGCGTGGTGAGCGTGGTGGGCAGGAT[G>GCT]CTCTCCCCATAGCGGTGGACCCATGTCTGGTTGTAGAACTCCTCGATCACCTGCAGGGGG-3'